The following is an entry in ClinVar:

ClinVar aggregate classification (germline): Uncertain significance. Review status: criteria provided, multiple submitters, no conflicts (2 of 4 stars). 2 submissions from 2 submitters: Uncertain significance (2). Last evaluated 2025-09-06.

Conditions:
Hereditary cancer-predisposing syndrome. Also called: Hereditary Cancer Syndrome; Hereditary neoplastic syndrome; Tumor predisposition; Neoplastic Syndromes, Hereditary. Identifiers: Orphanet 140162, MedGen C0027672, MeSH D009386, MONDO:0015356.
Parathyroid carcinoma (PRTC). Also called: Parathyroid gland carcinoma; CDC73-Related Parathyroid Carcinoma. Identifiers: Orphanet 143, MedGen C0687150, MONDO:0012004, OMIM 608266, HP:0006780.

Submissions (2):

Ambry Genetics
Classification: Uncertain significance for Hereditary cancer-predisposing syndrome. Last evaluated: 2025-09-06. Review status: criteria provided, single submitter. Criteria: Ambry Variant Classification Scheme 2023. Collection method: clinical testing. Allele origin: germline.
Comment: The p.F245V variant (also known as c.733T>G), located in coding exon 8 of the CDC73 gene, results from a T to G substitution at nucleotide position 733. The phenylalanine at codon 245 is replaced by valine, an amino acid with highly similar properties. This amino acid position is conserved. In addition, the in silico prediction for this alteration is inconclusive. Since supporting evidence is limited at this time, the clinical significance of this alteration remains unclear.

Labcorp Genetics (formerly Invitae), Labcorp
Classification: Uncertain significance for Parathyroid carcinoma. Last evaluated: 2022-09-01. Review status: criteria provided, single submitter. Criteria: Invitae Variant Classification Sherloc (09022015). Collection method: clinical testing. Allele origin: germline.
Comment: ClinVar contains an entry for this variant (Variation ID: 1397353). In summary, the available evidence is currently insufficient to determine the role of this variant in disease. Therefore, it has been classified as a Variant of Uncertain Significance. Algorithms developed to predict the effect of missense changes on protein structure and function are either unavailable or do not agree on the potential impact of this missense change (SIFT: "Tolerated"; PolyPhen-2: "Probably Damaging"; Align-GVGD: "Class C0"). This variant has not been reported in the literature in individuals affected with CDC73-related conditions. This variant is not present in population databases (gnomAD no frequency). This sequence change replaces phenylalanine, which is neutral and non-polar, with valine, which is neutral and non-polar, at codon 245 of the CDC73 protein (p.Phe245Val).

NM_024529.5(CDC73):c.733T>G (p.Phe245Val)

Gene: CDC73 (cell division cycle 73; plus strand). Cytogenetic location: 1q31.2.
Variant type: single nucleotide variant.
Coding change: c.733T>G on transcript NM_024529.5 (MANE Select); coding-DNA position 733, T replaced by G.
Protein change: p.Phe245Val; replaces phenylalanine 245 with valine.
Molecular consequence: missense variant.
Genome position (GRCh38, 1-based): chr1:193,147,870, T>G. VCF-style: chr1-193147870-T-G. GRCh37 (hg19) VCF-style: chr1-193117000-T-G.
Other names: short protein forms F245V.
Identifiers: ClinVar variation 1397353 (VCV001397353.9), dbSNP rs2103130516, ClinGen allele CA343963785.
Genomic context (GRCh38, chr1:193,147,870, plus strand): 5'-CTAAATTTACTATTGTATATTTAAAGTGGGCTTAATTAAAATCCATTTATATTTTAGAAT[T>G]TTTCCAAGAACATTTTTGCAATTCTTCAATCTGTAAAAGCCAGAGAAGAAGGGCGTGCAC-3'
Protein context (NP_078805.3, residues 235-255): TTILQSTGKN[Phe245Val]SKNIFAILQS